The following is an entry in ClinVar:

ClinVar aggregate classification (germline): Uncertain significance (1 of 4 stars; one submission).

Conditions:
Aicardi-Goutieres syndrome 6 (AGS6). Identifiers: Orphanet 51, MedGen C3539013, MONDO:0014007, OMIM 615010.
Symmetrical dyschromatosis of extremities (DSH). Also called: DYSCHROMATOSIS SYMMETRICA HEREDITARIA 1; RETICULATE ACROPIGMENTATION OF DOHI; SYMMETRIC DYSCHROMATOSIS OF THE EXTREMITIES; Dyschromatosis symmetrica hereditaria. Identifiers: Orphanet 41, MedGen C0406775, MONDO:0007483, OMIM 127400.

Allele frequency attached by ClinVar (database versions not stated): TOPMed 0.00001; gnomAD exomes below 0.00001; gnomAD 0.00001.
gnomAD v4.1: 6 of 1,606,884 alleles (0.00037%); highest among the groups gnomAD compares: African/African-American, 0.0014%; no homozygotes.

Submission:

Labcorp Genetics (formerly Invitae), Labcorp
Classification: Uncertain significance for Aicardi-Goutieres syndrome 6; Symmetrical dyschromatosis of extremities. Last evaluated: 2025-10-29. Review status: criteria provided, single submitter. Criteria: Invitae Variant Classification Sherloc (09022015). Collection method: clinical testing. Allele origin: germline.
Comment: This sequence change replaces leucine, which is neutral and non-polar, with histidine, which is basic and polar, at codon 241 of the ADAR protein (p.Leu241His). This variant is present in population databases (no rsID available, gnomAD 0.0009%). This variant has not been reported in the literature in individuals affected with ADAR-related conditions. ClinVar contains an entry for this variant (Variation ID: 1466038). Experimental studies and prediction algorithms are not available or were not evaluated, and the functional significance of this variant is currently unknown. In summary, the available evidence is currently insufficient to determine the role of this variant in disease. Therefore, it has been classified as a Variant of Uncertain Significance.

NM_001111.5(ADAR):c.722T>A (p.Leu241His)

Gene: ADAR (adenosine deaminase RNA specific; minus strand). Cytogenetic location: 1q21.3.
Variant type: single nucleotide variant.
Coding change: c.722T>A on transcript NM_001111.5 (MANE Select); coding-DNA position 722, T replaced by A.
Protein change: p.Leu241His; replaces leucine 241 with histidine.
Molecular consequence: missense variant. On other transcripts: 5 prime UTR variant (6).
Genome position (GRCh38, 1-based): chr1:154,601,920, A>T on the plus strand (T>A on the coding strand, the complement: ADAR is on the minus strand). VCF-style: chr1-154601920-A-T. GRCh37 (hg19) VCF-style: chr1-154574396-A-T.
Other names: c.-164T>A (NM_001025107.3, NM_001193495.2, NM_001365046.1 and 3 more transcripts); c.749T>A, p.Leu250His (NM_001365045.1); c.722T>A, p.Leu241His (NM_015840.4, NM_015841.4); short protein forms L241H, L250H.
Identifiers: ClinVar variation 1466038 (VCV001466038.8), dbSNP rs1472127685, ClinGen allele CA342600272.